The following is an entry in ClinVar:

NM_006208.3(ENPP1):c.*3163C>T

Gene: ENPP1 (ectonucleotide pyrophosphatase/phosphodiesterase 1; plus strand). Cytogenetic location: 6q23.2.
Variant type: single nucleotide variant.
Coding change: c.*3163C>T on transcript NM_006208.3 (MANE Select); 3163 bases downstream of the stop codon, C replaced by T.
Molecular consequence: 3 prime UTR variant.
Genome position (GRCh38, 1-based): chr6:131,893,674, C>T. VCF-style: chr6-131893674-C-T. GRCh37 (hg19) VCF-style: chr6-132214814-C-T.
Identifiers: ClinVar variation 355412 (VCV000355412.5), dbSNP rs55670720, ClinGen allele CA10622969.
Genomic context (GRCh38, chr6:131,893,674, plus strand): 5'-GTTCTTAAAGAAAATGTCAGTCTCTACATTCTATGCTGACTGTTAAGGAAAGAGCACCCA[C>T]ATCTGCTCCTACTTAGCTTTTTTTCTGTGGTTCTTACACAGTATTCCTTTTTTTCTTTTC-3'

ClinVar aggregate classification (germline): Benign. Review status: criteria provided, single submitter (1 of 4 stars). 2 submissions from 1 submitter: Benign (2). Last evaluated 2018-01-13.

Conditions:
Hypophosphatemic rickets, autosomal recessive, 2 (ARHR2). Identifiers: Orphanet 289176, MedGen C2750078, MONDO:0013219, OMIM 613312.
Arterial calcification, generalized, of infancy, 1 (GACI1). Also called: Idiopathic Infantile Arterial Calcification. Identifiers: Orphanet 51608, MedGen C4551985, MONDO:0008817, OMIM 208000.

Allele frequency attached by ClinVar (database versions not stated): gnomAD 0.01362 and 0.01449; 1000 Genomes Project 0.01458; 1000 Genomes Project 30x 0.01468; TOPMed 0.01557.

Submissions (2):

Illumina Laboratory Services, Illumina
Classification: Benign for Arterial calcification, generalized, of infancy, 1. Last evaluated: 2018-01-13. Review status: criteria provided, single submitter. Criteria: ICSL Variant Classification Criteria 13 December 2019. Collection method: clinical testing. Allele origin: germline.
Comment: This variant was observed in the ICSL laboratory as part of a predisposition screen in an ostensibly healthy population. It had not been previously curated by ICSL or reported in the Human Gene Mutation Database (HGMD: prior to June 1st, 2018), and was therefore a candidate for classification through an automated scoring system. Utilizing variant allele frequency, disease prevalence and penetrance estimates, and inheritance mode, an automated score was calculated to assess if this variant is too frequent to cause the disease. Based on the score and internal cut-off values, a variant classified as benign is not then subjected to further curation. The score for this variant resulted in a classification of benign for this disease.

Illumina Laboratory Services, Illumina
Classification: Benign for Hypophosphatemic rickets, autosomal recessive, 2. Last evaluated: 2018-01-13. Review status: criteria provided, single submitter. Criteria: ICSL Variant Classification Criteria 13 December 2019. Collection method: clinical testing. Allele origin: germline.
Comment: the same text as in the submission from Illumina Laboratory Services, Illumina above.